The following continues an entry in ClinVar:

NM_001276345.2(TNNT2):c.862C>T (p.Arg288Cys)

Gene: TNNT2. ClinVar aggregate classification (germline): Likely benign. Likely benign (1).

Submissions 6 to 13 of 36:

Color Diagnostics, LLC DBA Color Health
Classification: Uncertain significance for Cardiomyopathy. Last evaluated: 2025-11-06. Review status: criteria provided, single submitter. Criteria: ACMG Guidelines, 2015. Collection method: clinical testing. Allele origin: germline. Not counted in ClinVar's aggregate classification.
Comment: This missense variant replaces arginine with cysteine at codon 278 of the TNNT2 protein. Computational prediction tool is inconclusive regarding the impact of this variant on protein structure and function. Functional studies have shown that the mutant protein exhibits increased Ca2+ sensitivity and form abnormal myosin cross-bridges (PMID: 10085122, 10405326, 10617660, 11432788, 21683708, 22500102, 24418317, 33148509). However, transgenic mice that express this variant do not show Ca2+ sensitivity, ventricular fibrosis, or significant hypertrophy (PMID: 19033660, 16115869, 16777946). This variant has been reported in over 30 individuals affected with hypertrophic cardiomyopathy (PMID: 7898523, 10610467, 12860912, 14636924, 15246915, 15958377, 16199542, 16715312, 20031618, 25611685, 26507537, 30645170, 30762279, 32815737, 35514357, 37431535, 38853772). Four of these patients also carried pathogenic variants in the MYBPC3 or MYH7 gene (PMID: 26507537, 37431535). Segregation analysis in families has yielded inconclusive results (PMID: 14563299, 15958377, 25524337). This variant has been reported in individuals affected with dilated cardiomyopathy (PMID: 21846512, 24503780) and arrhythmia (PMID: 26743238). This variant has been identified in over 200 individuals in the UK Biobankof these individuals, four were affected with heart failure and one was affected with hypertrophic cardiomyopathy, while the majority of individuals were unaffected (PMID: 36264615). This variant has been identified in 827/1611210 chromosomes in the general population by the Genome Aggregation Database (gnomAD) and occurs at a frequency higher than expected for a disease-causing allele in the TNNT2 gene in multiple subpopulations in the gnomAD. The available evidence is insufficient to determine the role of this variant in disease conclusively. Therefore, this variant is classified as a Variant of Uncertain Significance.

GeneDx
Classification: Uncertain significance. Last evaluated: 2025-05-02. Review status: criteria provided, single submitter. Criteria: GeneDx Variant Classification Process June 2021. Collection method: clinical testing. Allele origin: germline. Affected: yes. Not counted in ClinVar's aggregate classification.
Comment: Identified in a patient with HCM and prolonged QT interval; this patient also harbored a pathogenic variant in the KCNQ1 gene and a variant in the ANK2 gene (PMID: 37089884); Published functional studies suggest this variant may alter normal calcium sensitivity and force contractility, however it is not clear how well these studies reproduce in vivo conditions in humans (PMID: 16115869, 10085122, 10617660); In silico analysis suggests that this missense variant does not alter protein structure/function; This variant is associated with the following publications: (PMID: 16199542, 33025817, 20038417, 25637381, 33148509, 14636924, 7898523, 23074333, 15958377, 10617660, 30847666, 31737537, 31980526, 32731933, 32290750, 31513939, 24418317, 22500102, 21846512, 27022107, 24055113, 21683708, 23299917, 22857948, 12881443, 12860912, 27930701, 26774798, 26914223, 27483260, 26681313, 28518168, 29121657, 17101185, 28193612, 25524337, 11432788, 19033660, 24503780, 26743238, 10405326, 14563299, 16777946, 20800588, 20624503, 20031618, 16715312, 19150014, 10610467, 10085122, 30762279, 31028938, 31006259, 31019283, 27600940, 25611685, 25668678, 25351510, 22144547, 21511876, 18533079, 26183555, 21310275, 20031602, 30645170, 31323898, 30972196, 34426522, 24704860, 35626289, 26507537, 28255936, 34008892, 28771489, 35514357, 36293497, 35441061, 34088630, 12974739, 36698941, 35679367, Pisklova2023, 37180798, 2946667, 24793961, 36264615, 23283745, 37029482, Shafaattalab2023, 34400558, Cao2023, 15246915, 16115869, 37937776, 37652022, 37432431, 37089884)

Department of Human Genetics, Hannover Medical School
Classification: Uncertain significance for Hypertrophic cardiomyopathy 2. Last evaluated: 2025-04-03. Review status: criteria provided, single submitter. Criteria: ACMG Guidelines, 2015. Collection method: clinical testing. Allele origin: germline. Affected: yes. Not counted in ClinVar's aggregate classification.
Comment: ClinGen VCEP: BS1, PS3_Moderate, PS4_Supporting

Revvity Omics, Revvity
Classification: Uncertain significance. Last evaluated: 2024-12-03. Review status: criteria provided, single submitter. Criteria: ACMG Guidelines, 2015. Collection method: clinical testing. Allele origin: germline. Not counted in ClinVar's aggregate classification.

ARUP Laboratories, Molecular Genetics and Genomics, ARUP Laboratories
Classification: Uncertain significance. Last evaluated: 2024-11-20. Review status: criteria provided, single submitter. Criteria: ARUP Molecular Germline Variant Investigation Process 2024. Collection method: clinical testing. Allele origin: germline. Not counted in ClinVar's aggregate classification.
Comment: The TNNT2 c.832C>T; p.Arg278Cys variant (rs121964857) has been extensively reported in association with hypertrophic cardiomyopathy (HCM; first reported in Watkins 1995). However, the exact contribution of this variant to the development of HCM is currently under debate. For example, this variant is listed in the ClinVar database with conflicting interpretations of pathogenicity (Variation ID: 12411), with multiple clinical labs noting incomplete segregation/penetrance of this variants in familial studies (Garcia-Castro 2003, Theopistou 2004, Gimeno 2009, Ripoll-Vera 2016, McGurk 2023), and that multiple patients analyzed have additional clinically relevant variants in other HCM-related genes; an observation that has as has also been reported in the literature (Gimeno 2009 and Garcia-Castro 2009). Additionally, this variant is listed in the Genome Aggregation Database (gnomAD) browser v.2.1.1 with a frequency in non-Finnish Europeans of 0.06% (identified in 76 out of 125,670 chromosomes). However, this relatively high population frequency, while disqualifying this variant as a high penetrance, early onset disease allele, would be consistent with a late onset/low penetrance model of disease etiology (see case report in Elliott 1999 for example of late onset disease in a carrier and McGurk 2023 for age-dependent penetrance estimate). Functional studies using isolated muscle fibers show subtle, but reproducible, changes in force generation caused by the p.Arg278Cys variant (Yanaga 199, Szczesna 2000, and Hernandez 2005). However, whether these defects in vitro are relevant to disease manifestation in human patients is not completely understood. Taken together, the clinical significance of the p.Arg278Cys variant cannot be determined with certainty. And at most, the genetic evidence is consistent with this variant being a low penetrance risk factor or genetic modifier of more penetrant alleles. References: Elliott et al. Late-onset hypertrophic cardiomyopathy caused by a mutation in the cardiac troponin T gene. N Engl J Med. 1999; 341(24): 1855-1856. PMID: 10610467. Hernandez et al. F110I and R278C troponin T mutations that cause familial hypertrophic cardiomyopathy affect muscle contraction in transgenic mice and reconstituted human cardiac fibers. J Biol Chem. 2005; 280(44): 37183-37194. PMID: 16115869. Garcia-Castro et al. Hypertrophic cardiomyopathy: low frequency of mutations in the beta-myosin heavy chain (MYH7) and cardiac troponin T (TNNT2) genes among Spanish patients. Clin Chem. 2003; 49(8): 1279-1285. PMID: 12881443 Garcia-Castro et al. Mutations in sarcomeric genes MYH7, MYBPC3, TNNT2, TNNI3, and TPM1 in patients with hypertrophic cardiomyopathy. Rev Esp Cardiol. 2009; 62(1): 48-56. PMID: 19150014 Gimeno et al. Hypertrophic cardiomyopathy. A study of the troponin-T gene in 127 Spanish families. Rev Esp Cardiol. 2009; 62(12): 1473-1477. PMID: 20038417 McGurk KA et al. The penetrance of rare variants in cardiomyopathy-associated genes: A cross-sectional approach to estimating penetrance for secondary findings. Am J Hum Genet. 2023 Sep 7;110(9):1482-1495. PMID: 37652022 Ripoll-Vera et al. Clinical and Prognostic Profiles of Cardiomyopathies Caused by Mutations in the Troponin T Gene. Rev Esp Cardiol (Engl Ed). 2016; 69(2): 149-158. PMID: 26507537 Szczesna et al. Altered regulation of cardiac muscle contraction by troponin T mutations that cause familial hypertrophic cardiomyopathy. J Biol Chem. 2000; 275(1): 624-630. PMID: 10617660 Theopistou et al. Clinical features of hypertrophic cardiomyopathy caused by an Arg278Cys missense mutation in the cardiac troponin T gene. Am J Cardiol. 2004; 94(2): 246-249. PMID: 15246915 Watkins et al. Mutations in the genes for cardiac troponin T and alpha-tropomyosin in hypertrophic cardiomyopathy. N Engl J Med. 1995; 332(16): 1058-1064. PMID: 7898523 Yanaga et al. Ca2+ sensitization and potentiation of the maximum level of myofibrillar ATPase activity caused by mutations of troponin T found in familial hypertrophic cardiomyopathy. J Biol Chem. 1999; 274(13): 8806-8812. PMID: 10085122

Molecular Diagnostic Laboratory for Inherited Cardiovascular Disease, Montreal Heart Institute
Classification: Likely pathogenic for Cardiovascular phenotype. Last evaluated: 2024-11-20. Review status: criteria provided, single submitter. Criteria: ACMG Guidelines, 2015. Collection method: clinical testing. Allele origin: germline. Affected: yes. Not counted in ClinVar's aggregate classification.
Comment: PS4, PS3_mod, PM5, PP1, PP2, PP3

Institute of Immunology and Genetics Kaiserslautern
Classification: Uncertain significance for Hypertrophic cardiomyopathy 2; Dilated cardiomyopathy 1D; Cardiomyopathy, familial restrictive, 3. Last evaluated: 2024-09-26. Review status: criteria provided, single submitter. Criteria: ACMG Guidelines, 2015. Collection method: clinical testing. Allele origin: germline. Affected: yes. Not counted in ClinVar's aggregate classification.
Comment: ACMG Criteria: PS3_M, PM5, BS1, BP5; Variant was found in heterozygous state.

Blueprint Genetics
Classification: Likely benign. Last evaluated: 2024-09-24. Review status: criteria provided, single submitter. Criteria: ACMG Guidelines, 2015. Collection method: clinical testing. Allele origin: germline. Not counted in ClinVar's aggregate classification.